The following is an entry in ClinVar:

ClinVar aggregate classification (germline): Uncertain significance. Review status: criteria provided, multiple submitters, no conflicts (2 of 4 stars). 6 submissions from 6 submitters: Uncertain significance (6). Last evaluated 2025-05-29.

Conditions:
Cardiovascular phenotype. Identifiers: MedGen CN230736.
Cardiomyopathy (CMYO). Also called: Cardiomyopathies. Identifiers: Orphanet 167848, MedGen C0878544, MONDO:0004994, HP:0001638. Inheritance: Various modes of inheritance.
Hypertrophic cardiomyopathy. Also called: HYPERTROPHIC MYOCARDIOPATHY. Identifiers: Orphanet 217569, MedGen C0007194, MeSH D002312, MONDO:0005045, HP:0001639.

Allele frequency attached by ClinVar (database versions not stated): TOPMed 0.00001.
gnomAD v4.1: 3 of 1,613,802 alleles (0.00019%); highest among the groups gnomAD compares: African/African-American, 0.0027%; no homozygotes.

Submissions (6):

Labcorp Genetics (formerly Invitae), Labcorp
Classification: Uncertain significance for Hypertrophic cardiomyopathy. Last evaluated: 2025-05-29. Review status: criteria provided, single submitter. Criteria: Invitae Variant Classification Sherloc (09022015). Collection method: clinical testing. Allele origin: germline.
Comment: This sequence change replaces aspartic acid, which is acidic and polar, with tyrosine, which is neutral and polar, at codon 358 of the MYBPC3 protein (p.Asp358Tyr). This variant is present in population databases (no rsID available, gnomAD 0.007%). This variant has not been reported in the literature in individuals affected with MYBPC3-related conditions. ClinVar contains an entry for this variant (Variation ID: 926939). An algorithm developed to predict the effect of missense changes on protein structure and function (PolyPhen-2) suggests that this variant is likely to be disruptive. In summary, the available evidence is currently insufficient to determine the role of this variant in disease. Therefore, it has been classified as a Variant of Uncertain Significance.

Ambry Genetics
Classification: Uncertain significance for Cardiovascular phenotype. Last evaluated: 2024-06-24. Review status: criteria provided, single submitter. Criteria: Ambry Variant Classification Scheme 2023. Collection method: clinical testing. Allele origin: germline.
Comment: The p.D358Y variant (also known as c.1072G>T), located in coding exon 12 of the MYBPC3 gene, results from a G to T substitution at nucleotide position 1072. The aspartic acid at codon 358 is replaced by tyrosine, an amino acid with highly dissimilar properties. This amino acid position is conserved. In addition, the in silico prediction for this alteration is inconclusive. Based on the available evidence, the clinical significance of this variant remains unclear.

Color Diagnostics, LLC DBA Color Health
Classification: Uncertain significance for Cardiomyopathy. Last evaluated: 2024-03-06. Review status: criteria provided, single submitter. Criteria: ACMG Guidelines, 2015. Collection method: clinical testing. Allele origin: germline.
Comment: This missense variant replaces aspartic acid with tyrosine at codon 358 of the MYBPC3 protein. Computational prediction suggests that this variant may not impact protein structure and function (internally defined REVEL score threshold <= 0.5, PMID: 27666373). To our knowledge, functional studies have not been reported for this variant. This variant has not been reported in individuals affected with MYBPC3-related disorders in the literature. This variant has been identified in 1/248970 chromosomes in the general population by the Genome Aggregation Database (gnomAD). The available evidence is insufficient to determine the role of this variant in disease conclusively. Therefore, this variant is classified as a Variant of Uncertain Significance.

All of Us Research Program, National Institutes of Health
Classification: Uncertain significance for Hypertrophic cardiomyopathy. Last evaluated: 2023-09-17. Review status: criteria provided, single submitter. Criteria: ACMG Guidelines, 2015. Collection method: clinical testing. Allele origin: germline. Inheritance: Autosomal dominant inheritance. Observed: 2 variant alleles, 2 heterozygotes.
Comment: This missense variant replaces aspartic acid with tyrosine at codon 358 of the MYBPC3 protein. Computational prediction suggests that this variant may not impact protein structure and function (internally defined REVEL score threshold <= 0.5, PMID: 27666373). To our knowledge, functional studies have not been reported for this variant. This variant has not been reported in individuals affected with cardiovascular disorders in the literature. This variant has been identified in 1/248970 chromosomes in the general population by the Genome Aggregation Database (gnomAD). The available evidence is insufficient to determine the role of this variant in disease conclusively. Therefore, this variant is classified as a Variant of Uncertain Significance.

This study involves interpretation of variants in research participants for the purpose of population health screening. Participant phenotype was not available at the time of variant classification. Additional details can be found in publication PMID: 35346344, PMCID: PMC8962531

GeneDx
Classification: Uncertain significance. Last evaluated: 2022-08-23. Review status: criteria provided, single submitter. Criteria: GeneDx Variant Classification Process June 2021. Collection method: clinical testing. Allele origin: germline. Affected: yes.
Comment: Has not been previously published as pathogenic or benign to our knowledge; Not observed at significant frequency in large population cohorts (gnomAD); In silico analysis supports that this missense variant has a deleterious effect on protein structure/function

Women's Health and Genetics/Laboratory Corporation of America, LabCorp
Classification: Uncertain significance. Last evaluated: 2020-10-26. Review status: criteria provided, single submitter. Criteria: LabCorp Variant Classification Summary - May 2015. Collection method: clinical testing. Allele origin: germline.
Comment: Variant summary: MYBPC3 c.1072G>T (p.Asp358Tyr) results in a non-conservative amino acid change in the encoded protein sequence. Four of five in-silico tools predict a damaging effect of the variant on protein function. The variant allele was found at a frequency of 4e-06 in 248970 control chromosomes. The available data on variant occurrences in the general population are insufficient to allow any conclusion about variant significance. To our knowledge, no occurrence of c.1072G>T in individuals affected with Cardiomyopathy and no experimental evidence demonstrating its impact on protein function have been reported. One clinical diagnostic laboratory has submitted clinical-significance assessments for this variant to ClinVar after 2014 without evidence for independent evaluation and classified the variant as uncertain significance. Based on the evidence outlined above, the variant was classified as uncertain significance.

NM_000256.3(MYBPC3):c.1072G>T (p.Asp358Tyr)

Gene: MYBPC3 (myosin binding protein C3; minus strand). Cytogenetic location: 11p11.2.
Variant type: single nucleotide variant.
Coding change: c.1072G>T on transcript NM_000256.3 (MANE Select); coding-DNA position 1072, G replaced by T.
Protein change: p.Asp358Tyr; replaces aspartic acid 358 with tyrosine.
Molecular consequence: missense variant.
Genome position (GRCh38, 1-based): chr11:47,346,225, C>A on the plus strand (G>T on the coding strand, the complement: MYBPC3 is on the minus strand). VCF-style: chr11-47346225-C-A. GRCh37 (hg19) VCF-style: chr11-47367776-C-A.
Other names: short protein forms D358Y.
Identifiers: ClinVar variation 926939 (VCV000926939.14), dbSNP rs746267533, ClinGen allele CA380331012.